The following is an entry in ClinVar:

ClinVar aggregate classification (germline): Benign/Likely benign. Review status: criteria provided, multiple submitters, no conflicts (2 of 4 stars). 6 submissions from 6 submitters: Benign (1); Likely benign (4). 1 of the submissions does not count toward it. Last evaluated 2025-12-01.

Conditions:
Cardiovascular phenotype. Identifiers: MedGen CN230736.
Long QT syndrome (LQTS). Identifiers: MedGen C0023976, MeSH D008133, MONDO:0002442. Disease mechanism: loss of function. Inheritance: Various modes of inheritance.
ANK2-related disorder. Also called: ANK2-related condition.

Allele frequency attached by ClinVar (database versions not stated): TOPMed 0.00003.
gnomAD v4.1: 67 of 1,613,966 alleles (0.0042%); highest among the groups gnomAD compares: Middle Eastern, 0.049%; no homozygotes.

Submissions (6):

CeGaT Center for Human Genetics Tuebingen
Classification: Likely benign. Last evaluated: 2025-12-01. Review status: criteria provided, single submitter. Criteria: CeGaT Center For Human Genetics Tuebingen Variant Classification Criteria Version 2. Collection method: clinical testing. Allele origin: germline. Affected: yes. Observed: 1 variant allele.
Comment: ANK2: BP4, BP7

Labcorp Genetics (formerly Invitae), Labcorp
Classification: Likely benign for Long QT syndrome. Last evaluated: 2022-12-21. Review status: criteria provided, single submitter. Criteria: Invitae Variant Classification Sherloc (09022015). Collection method: clinical testing. Allele origin: germline.

Ambry Genetics
Classification: Benign for Cardiovascular phenotype. Last evaluated: 2019-03-21. Review status: criteria provided, single submitter. Criteria: Ambry Variant Classification Scheme 2023. Collection method: clinical testing. Allele origin: germline.

GeneDx
Classification: Likely benign. Last evaluated: 2017-03-01. Review status: criteria provided, single submitter. Criteria: GeneDx Variant Classification (06012015). Collection method: clinical testing. Allele origin: germline. Affected: yes.
Comment: This variant is considered likely benign or benign based on one or more of the following criteria: it is a conservative change, it occurs at a poorly conserved position in the protein, it is predicted to be benign by multiple in silico algorithms, and/or has population frequency not consistent with disease.

Breakthrough Genomics
Classification: Likely benign. Review status: criteria provided, single submitter. Criteria: ACMG Guidelines, 2015. Collection method: not provided. Allele origin: germline. Inheritance: Autosomal dominant inheritance. Affected: yes.

PreventionGenetics, part of Exact Sciences
Classification: Likely benign for ANK2-related condition. Last evaluated: 2019-03-08. Review status: no assertion criteria provided. Collection method: clinical testing. Allele origin: germline. Not counted in ClinVar's aggregate classification.
Comment: This variant is classified as likely benign based on ACMG/AMP sequence variant interpretation guidelines (Richards et al. 2015 PMID: 25741868, with internal and published modifications).

NM_001148.6(ANK2):c.9474G>T (p.Pro3158=)

Gene: ANK2 (ankyrin 2; plus strand). Cytogenetic location: 4q26.
Variant type: single nucleotide variant.
Coding change: c.9474G>T on transcript NM_001148.6 (MANE Select); coding-DNA position 9474, G replaced by T.
Protein change: p.Pro3158=; no amino-acid change (proline 3158 retained).
Molecular consequence: synonymous variant. On other transcripts: intron variant (68).
Genome position (GRCh38, 1-based): chr4:113,358,092, G>T. VCF-style: chr4-113358092-G-T. GRCh37 (hg19) VCF-style: chr4-114279248-G-T.
Other names: c.9240G>T, p.Pro3080= (NM_001386142.1); c.5874G>T, p.Pro1958= (NM_001386166.1); c.9615G>T, p.Pro3205= (NM_001386174.1); c.9591G>T, p.Pro3197= (NM_001386175.1); c.4412-2731G>T (NM_001386186.2, NM_001386148.2); c.4214-2731G>T (NM_001354269.3); c.4292-2731G>T (NM_001386187.2); c.4253-2731G>T (NM_001386147.1); and 35 more.
Identifiers: ClinVar variation 507768 (VCV000507768.18), dbSNP rs145111737, ClinGen allele CA3051925.